The following is an entry in ClinVar:

ClinVar aggregate classification (germline): Conflicting classifications of pathogenicity. Review status: criteria provided, conflicting classifications (1 of 4 stars). 2 submissions from 1 submitter: Uncertain significance (1); Benign (1). Last evaluated 2018-01-13.

Conditions:
Autosomal recessive nonsyndromic hearing loss 37. Identifiers: Orphanet 90636, MedGen C1843028, MONDO:0011912, OMIM 607821.
Autosomal dominant nonsyndromic hearing loss 22. Also called: Autosomal dominant nonsyndromic deafness 22; DFNA 22. Identifiers: Orphanet 228012, MedGen C2931767, MONDO:0011660, OMIM 606346.

Allele frequency attached by ClinVar (database versions not stated): gnomAD exomes 0.00021; gnomAD 0.00165 and 0.00173; TOPMed 0.00182; 1000 Genomes Project 30x 0.00265; 1000 Genomes Project 0.00300.
gnomAD v4.1: 301 of 407,384 alleles (0.074%); highest among the groups gnomAD compares: African/African-American, 0.57%; 1 homozygote.

Submissions (2):

Illumina Laboratory Services, Illumina
Classification: Uncertain significance for Autosomal recessive nonsyndromic hearing loss 37. Last evaluated: 2018-01-13. Review status: criteria provided, single submitter. Criteria: ICSL Variant Classification Criteria 13 December 2019. Collection method: clinical testing. Allele origin: germline.

Illumina Laboratory Services, Illumina
Classification: Benign for Autosomal dominant nonsyndromic hearing loss 22. Last evaluated: 2018-01-13. Review status: criteria provided, single submitter. Criteria: ICSL Variant Classification Criteria 13 December 2019. Collection method: clinical testing. Allele origin: germline.
Comment: This variant was observed in the ICSL laboratory as part of a predisposition screen in an ostensibly healthy population. It had not been previously curated by ICSL or reported in the Human Gene Mutation Database (HGMD: prior to June 1st, 2018), and was therefore a candidate for classification through an automated scoring system. Utilizing variant allele frequency, disease prevalence and penetrance estimates, and inheritance mode, an automated score was calculated to assess if this variant is too frequent to cause the disease. Based on the score and internal cut-off values, a variant classified as benign is not then subjected to further curation. The score for this variant resulted in a classification of benign for this disease.

NM_004999.4(MYO6):c.*301G>A

Gene: MYO6 (myosin VI; plus strand). Cytogenetic location: 6q14.1.
Variant type: single nucleotide variant.
Coding change: c.*301G>A on transcript NM_004999.4 (MANE Select); 301 bases downstream of the stop codon, G replaced by A.
Molecular consequence: 3 prime UTR variant. On other transcripts: non-coding transcript variant (1).
Genome position (GRCh38, 1-based): chr6:75,915,313, G>A. VCF-style: chr6-75915313-G-A. GRCh37 (hg19) VCF-style: chr6-76625030-G-A.
Other names: c.*301G>A (NM_001300899.2, NM_001368136.1, NM_001368137.1 and 3 more transcripts).
Identifiers: ClinVar variation 908968 (VCV000908968.4), dbSNP rs116215208, ClinGen allele CA141061165.